The following is an entry in ClinVar:

ClinVar aggregate classification (germline): Uncertain significance (1 of 4 stars; one submission).

Allele frequency attached by ClinVar (database versions not stated): gnomAD exomes below 0.00001.
gnomAD v4.1: 1 of 1,611,192 alleles (0.000062%); highest among the groups gnomAD compares: Non-Finnish European, 0.000085%; no homozygotes.

Submission:

Labcorp Genetics (formerly Invitae), Labcorp
Classification: Uncertain significance. Last evaluated: 2023-06-05. Review status: criteria provided, single submitter. Criteria: Invitae Variant Classification Sherloc (09022015). Collection method: clinical testing. Allele origin: germline.
Comment: This sequence change replaces aspartic acid, which is acidic and polar, with glycine, which is neutral and non-polar, at codon 1022 of the KIDINS220 protein (p.Asp1022Gly). This variant is not present in population databases (gnomAD no frequency). This variant has not been reported in the literature in individuals affected with KIDINS220-related conditions. An algorithm developed to predict the effect of missense changes on protein structure and function (PolyPhen-2) suggests that this variant is likely to be disruptive. In summary, the available evidence is currently insufficient to determine the role of this variant in disease. Therefore, it has been classified as a Variant of Uncertain Significance.

NM_020738.4(KIDINS220):c.3065A>G (p.Asp1022Gly)

Gene: KIDINS220 (kinase D interacting substrate 220; minus strand). Cytogenetic location: 2p25.1.
Variant type: single nucleotide variant.
Coding change: c.3065A>G on transcript NM_020738.4 (MANE Select); coding-DNA position 3065, A replaced by G.
Protein change: p.Asp1022Gly; replaces aspartic acid 1022 with glycine.
Molecular consequence: missense variant. On other transcripts: non-coding transcript variant (2).
Genome position (GRCh38, 1-based): chr2:8,751,591, T>C on the plus strand (A>G on the coding strand, the complement: KIDINS220 is on the minus strand). VCF-style: chr2-8751591-T-C. GRCh37 (hg19) VCF-style: chr2-8891721-T-C.
Other names: c.3068A>G, p.Asp1023Gly (NM_001348729.2, NM_001348731.2, NM_001348734.2 and 2 more transcripts); c.3065A>G, p.Asp1022Gly (NM_001348732.2, NM_001348735.2, NM_001348738.2 and 3 more transcripts); c.2939A>G, p.Asp980Gly (NM_001348736.2); short protein forms D980G, D1022G, D1023G.
Identifiers: ClinVar variation 2770236 (VCV002770236.3), dbSNP rs2527634008, ClinGen allele CA345772549.
Genomic context (GRCh38, chr2:8,751,591, plus strand): 5'-CGAGCCACAAGAACTGGGGTCCTTGAAGACAAAAACACTTCAAAATTTCTTATATCTCCA[T>C]CAATTTCAAGAAGTGGCTCAACATCCTTAGTTGTTGGAATATTCTTTGATATTCTTCAAA-3'
Protein context (NP_065789.1, residues 1012-1032): TKDVEPLLEI[Asp1022Gly]GDIRNFEVFL